The following is an entry in ClinVar:

ClinVar aggregate classification (germline): Pathogenic/Likely pathogenic. Review status: criteria provided, multiple submitters, no conflicts (2 of 4 stars). 6 submissions from 6 submitters: Pathogenic (3); Likely pathogenic (2). 1 of the submissions does not count toward it. Last evaluated 2025-07-28.

Conditions:
Endometrial carcinoma. Also called: Endometrial carcinoma, somatic. Identifiers: MedGen C0476089, MONDO:0002447, OMIM 608089, HP:0012114.
Familial adenomatous polyposis 4 (FAP4). Also called: MSH3-related attenuated familial adenomatous polyposis. Identifiers: Orphanet 480536, MedGen C4310719, MONDO:0044300, OMIM 617100.
MSH3-related disorder. Also called: MSH3-related condition.
Hereditary cancer-predisposing syndrome. Also called: Hereditary Cancer Syndrome; Neoplastic Syndromes, Hereditary; Tumor predisposition; Hereditary neoplastic syndrome. Identifiers: Orphanet 140162, MedGen C0027672, MeSH D009386, MONDO:0015356.

Submissions (6):

Ambry Genetics
Classification: Pathogenic for Hereditary cancer-predisposing syndrome. Last evaluated: 2025-07-28. Review status: criteria provided, single submitter. Criteria: Ambry Variant Classification Scheme 2023. Collection method: clinical testing. Allele origin: germline.
Comment: The c.2141dupA pathogenic mutation, located in coding exon 15 of the MSH3 gene, results from a duplication of A at nucleotide position 2141, causing a translational frameshift with a predicted alternate stop codon (p.R715Efs*4). This variant is considered to be rare based on population cohorts in the Genome Aggregation Database (gnomAD). This alteration is expected to result in loss of function by premature protein truncation or nonsense-mediated mRNA decay. As such, this alteration is interpreted as a disease-causing mutation.

Labcorp Genetics (formerly Invitae), Labcorp
Classification: Pathogenic. Last evaluated: 2025-03-09. Review status: criteria provided, single submitter. Criteria: Invitae Variant Classification Sherloc (09022015). Collection method: clinical testing. Allele origin: germline.
Comment: This sequence change creates a premature translational stop signal (p.Arg715Glufs*4) in the MSH3 gene. It is expected to result in an absent or disrupted protein product. Loss-of-function variants in MSH3 are known to be pathogenic (PMID: 27476653, 37402566). This variant is present in population databases (rs751236312, gnomAD 0.002%). This variant has not been reported in the literature in individuals affected with MSH3-related conditions. ClinVar contains an entry for this variant (Variation ID: 649279). RNA analysis performed to evaluate the impact of this premature translational stop signal on mRNA splicing indicates it does not significantly alter splicing (internal data). For these reasons, this variant has been classified as Pathogenic.

Myriad Genetics, Inc.
Classification: Pathogenic for Familial adenomatous polyposis 4. Last evaluated: 2023-08-30. Review status: criteria provided, single submitter. Criteria: Myriad Autosomal Dominant, Autosomal Recessive and X-Linked Classification Criteria (2023). Collection method: clinical testing. Allele origin: unknown.
Comment: This variant is considered pathogenic. This variant creates a frameshift predicted to result in premature protein truncation.

Baylor Genetics
Classification: Likely pathogenic for Endometrial carcinoma. Last evaluated: 2023-07-16. Review status: criteria provided, single submitter. Criteria: ACMG Guidelines, 2015. Collection method: clinical testing. Allele origin: unknown.

Juno Genomics, Hangzhou Juno Genomics, Inc
Classification: Likely pathogenic for Endometrial carcinoma; Familial adenomatous polyposis 4. Review status: criteria provided, single submitter. Criteria: ACMG Guidelines, 2015. Collection method: clinical testing. Allele origin: germline.
Comment: Null variant in a gene where loss of function (LOF) is a known mechanism of disease.;Absent from controls (or at extremely low frequency if recessive) in Genome Aggregation Database.

PreventionGenetics, part of Exact Sciences
Classification: Pathogenic for MSH3-related condition. Last evaluated: 2024-09-06. Review status: no assertion criteria provided. Collection method: clinical testing. Allele origin: germline. Not counted in ClinVar's aggregate classification.
Comment: The MSH3 c.2141dupA variant is predicted to result in a frameshift and premature protein termination (p.Arg715Glufs*4). To our knowledge, this variant has not been reported in the literature. This variant is reported in 0.0018% of alleles in individuals of European (Non-Finnish) descent in gnomAD, and is listed in ClinVar as Pathogenic. Frameshift variants in MSH3 are expected to be pathogenic (Villy et al. 2023. PubMed ID: 37402566; Adam et al. 2016. PubMed ID: 27476653). This variant is interpreted as pathogenic.

Literature cited by the submitters: PubMed 27476653 (cited by Labcorp Genetics (formerly Invitae), Labcorp); PubMed 37402566 (cited by Labcorp Genetics (formerly Invitae), Labcorp).

NM_002439.5(MSH3):c.2141dup (p.Arg715fs)

Gene: MSH3 (mutS homolog 3; plus strand). Cytogenetic location: 5q14.1.
Variant type: Duplication.
Coding change: c.2141dup on transcript NM_002439.5 (MANE Select); coding-DNA position 2141, one base duplicated (A; older notation c.2141dupA).
Protein change: p.Arg715fs; shifts the reading frame from arginine 715.
Molecular consequence: frameshift variant.
Genome position (GRCh38, 1-based): chr5:80,768,891, A duplicated; the last of 6 consecutive A bases (chr5:80,768,886-80,768,891); duplicating any one gives the same sequence. VCF-style (leftmost placement, unchanged base first): chr5-80768885-T-TA. GRCh37 (hg19) VCF-style: chr5-80064704-T-TA.
Other names: c.2141dupA (NM_002439.4); short protein forms R715fs.
Identifiers: ClinVar variation 649279 (VCV000649279.17), dbSNP rs751236312, ClinGen allele CA3328146.